The following is an entry in ClinVar:

NM_001136472.2(LITAF):c.483G>C (p.Leu161Phe)

Gene: LITAF (lipopolysaccharide induced TNF factor; minus strand). Cytogenetic location: 16p13.13.
Variant type: single nucleotide variant.
Coding change: c.483G>C on transcript NM_001136472.2 (MANE Select); coding-DNA position 483, G replaced by C.
Protein change: p.Leu161Phe; replaces leucine 161 with phenylalanine.
Molecular consequence: missense variant. On other transcripts: 3 prime UTR variant (1), non-coding transcript variant (1).
Genome position (GRCh38, 1-based): chr16:11,549,640, C>G on the plus strand (G>C on the coding strand, the complement: LITAF is on the minus strand). VCF-style: chr16-11549640-C-G. GRCh37 (hg19) VCF-style: chr16-11643496-C-G.
Other names: c.*122G>C (NM_001136473.1); c.483G>C, p.Leu161Phe (NM_004862.4); short protein forms L161F.
Identifiers: ClinVar variation 2428156 (VCV002428156.6), dbSNP rs2506541029, ClinGen allele CA394763057.

ClinVar aggregate classification (germline): Uncertain significance (1 of 4 stars; one submission).

Conditions:
Charcot-Marie-Tooth disease type 1C. Also called: CHARCOT-MARIE-TOOTH DISEASE, DEMYELINATING, TYPE 1C; Charcot-Marie-Tooth disease, type IC; CMT, SLOW NERVE CONDUCTION TYPE C; HMSN IC; CHARCOT-MARIE-TOOTH NEUROPATHY, TYPE 1C; NEUROPATHY, HEREDITARY MOTOR AND SENSORY, TYPE IC. Identifiers: Orphanet 101083, MedGen C0270913, MONDO:0010995, OMIM 601098.

Submission:

Labcorp Genetics (formerly Invitae), Labcorp
Classification: Uncertain significance for Charcot-Marie-Tooth disease type 1C. Last evaluated: 2022-03-13. Review status: criteria provided, single submitter. Criteria: Invitae Variant Classification Sherloc (09022015). Collection method: clinical testing. Allele origin: germline.
Comment: In summary, the available evidence is currently insufficient to determine the role of this variant in disease. Therefore, it has been classified as a Variant of Uncertain Significance. Algorithms developed to predict the effect of missense changes on protein structure and function are either unavailable or do not agree on the potential impact of this missense change (SIFT: "Tolerated"; PolyPhen-2: "Possibly Damaging"; Align-GVGD: "Class C0"). This variant has not been reported in the literature in individuals affected with LITAF-related conditions. This variant is not present in population databases (gnomAD no frequency). This sequence change replaces leucine, which is neutral and non-polar, with phenylalanine, which is neutral and non-polar, at codon 161 of the LITAF protein (p.Leu161Phe).